The following is an entry in ClinVar:

ClinVar aggregate classification (germline): Uncertain significance (1 of 4 stars; one submission).

Conditions:
POLD1-related polyposis and colorectal cancer syndrome (CRCS10). Also called: COLORECTAL CANCER, SUSCEPTIBILITY TO, ON CHROMOSOME 19q; Colorectal cancer 10; Colorectal cancer, susceptibility to, 10. Identifiers: Orphanet 220460, MedGen C2675481, MONDO:0012953, OMIM 612591.

Submission:

Labcorp Genetics (formerly Invitae), Labcorp
Classification: Uncertain significance for POLD1-related polyposis and colorectal cancer syndrome. Last evaluated: 2025-10-21. Review status: criteria provided, single submitter. Criteria: Invitae Variant Classification Sherloc (09022015). Collection method: clinical testing. Allele origin: germline.
Comment: This sequence change falls in intron 4 of the POLD1 gene. It does not directly change the encoded amino acid sequence of the POLD1 protein. It affects a nucleotide within the consensus splice site. This variant is not present in population databases (gnomAD no frequency). This variant has not been reported in the literature in individuals affected with POLD1-related conditions. Variants that disrupt the consensus splice site are a relatively common cause of aberrant splicing (PMID: 17576681, 9536098). Algorithms developed to predict the effect of sequence changes on RNA splicing suggest that this variant may disrupt the consensus splice site. In summary, the available evidence is currently insufficient to determine the role of this variant in disease. Therefore, it has been classified as a Variant of Uncertain Significance.

Literature cited by the submitters: PubMed 17576681; PubMed 9536098.

NM_002691.4(POLD1):c.463+4_463+8del

Gene: POLD1 (DNA polymerase delta 1, catalytic subunit; plus strand). Cytogenetic location: 19q13.33.
Variant type: Deletion.
Coding change: c.463+4_463+8del on transcript NM_002691.4 (MANE Select); bases 4 to 8 of the intron after coding-DNA position 463, 5 bases deleted (AGTGG; older notation c.463+4_463+8delAGTGG).
Molecular consequence: intron variant.
Genome position (GRCh38, 1-based): chr19:50,401,928-50,401,932, AGTGG deleted; deleting any 5 consecutive bases within chr19:50,401,927-50,401,932 gives the same sequence; the c. name uses the placement nearest the transcript's 3' end. VCF-style (leftmost placement, unchanged base first): chr19-50401926-TGAGTG-T. GRCh37 (hg19) VCF-style: chr19-50905183-TGAGTG-T.
Other names: c.463+4_463+8del (NM_001256849.1, NM_001438212.1, NM_001438213.1 and 3 more transcripts).
Identifiers: ClinVar variation 4729598 (VCV004729598.1).